The following is an entry in ClinVar:

ClinVar aggregate classification (germline): Likely pathogenic (1 of 4 stars; one submission).

Submission:

GeneDx
Classification: Likely pathogenic. Last evaluated: 2014-03-03. Review status: criteria provided, single submitter. Criteria: GeneDx Variant Classification (06012015). Collection method: clinical testing. Allele origin: germline. Affected: yes.
Comment: c.336+5 G>T: IVS4+5 G>T in intron 4 of the PDSS1 gene (NM_014317.3). A c.336+5 G>T variant that is likely pathogenic was identified in the PDSS1 gene. It has not been published as a mutation, nor has it been reported as a benign polymorphism to our knowledge. Multiple in-silico splice prediction models predict that c.336+5 G>T destroys or damages the natural splice donor site in intron 4, which would be expected to lead to abnormal gene splicing. However, the true effect of c.336+5 G>T on splicing in vivo is not known. Therefore, this variant is a strong candidate for a pathogenic mutation, however the possibility that it is a benign variant cannot be excluded. The variant is found in MITONUC-MITOP panel(s).

NM_014317.5(PDSS1):c.336+5G>T

Gene: PDSS1 (decaprenyl diphosphate synthase subunit 1; plus strand). Cytogenetic location: 10p12.1.
Variant type: single nucleotide variant.
Coding change: c.336+5G>T on transcript NM_014317.5 (MANE Select); 5 bases into the intron after coding-DNA position 336, G replaced by T.
Molecular consequence: intron variant.
Genome position (GRCh38, 1-based): chr10:26,705,399, G>T. VCF-style: chr10-26705399-G-T. GRCh37 (hg19) VCF-style: chr10-26994328-G-T.
Other names: c.-258+5G>T (NM_001321979.2); c.336+5G>T (NM_001321978.2).
Identifiers: ClinVar variation 214984 (VCV000214984.2), dbSNP rs863224162, ClinGen allele CA321751.